The following is an entry in ClinVar:

ClinVar aggregate classification (germline): Uncertain significance. Review status: criteria provided, multiple submitters, no conflicts (2 of 4 stars). 3 submissions from 3 submitters: Uncertain significance (3). Last evaluated 2025-07-24.

Conditions:
Hereditary cancer-predisposing syndrome. Also called: Hereditary Cancer Syndrome; Neoplastic Syndromes, Hereditary; Hereditary neoplastic syndrome; Tumor predisposition. Identifiers: Orphanet 140162, MedGen C0027672, MeSH D009386, MONDO:0015356.
Multiple endocrine neoplasia, type 1 (MEN1). Also called: MEN I; WERMER SYNDROME; Endocrine adenomatosis multiple; MEN 1; MEA I. Identifiers: Orphanet 652, MedGen C0025267, MeSH D018761, MONDO:0007540, OMIM 131100.

Submissions (3):

Labcorp Genetics (formerly Invitae), Labcorp
Classification: Uncertain significance for Multiple endocrine neoplasia, type 1. Last evaluated: 2025-07-24. Review status: criteria provided, single submitter. Criteria: Invitae Variant Classification Sherloc (09022015). Collection method: clinical testing. Allele origin: germline.
Comment: This sequence change replaces threonine, which is neutral and polar, with serine, which is neutral and polar, at codon 300 of the MEN1 protein (p.Thr300Ser). This variant is not present in population databases (gnomAD no frequency). This variant has not been reported in the literature in individuals affected with MEN1-related conditions. ClinVar contains an entry for this variant (Variation ID: 822867). Invitae Evidence Modeling of protein sequence and biophysical properties (such as structural, functional, and spatial information, amino acid conservation, physicochemical variation, residue mobility, and thermodynamic stability) indicates that this missense variant is not expected to disrupt MEN1 protein function with a negative predictive value of 95%. In summary, the available evidence is currently insufficient to determine the role of this variant in disease. Therefore, it has been classified as a Variant of Uncertain Significance.

All of Us Research Program, National Institutes of Health
Classification: Uncertain significance for Multiple endocrine neoplasia, type 1. Last evaluated: 2024-08-06. Review status: criteria provided, single submitter. Criteria: ACMG Guidelines, 2015. Collection method: clinical testing. Allele origin: germline. Inheritance: Autosomal dominant inheritance. Observed: 3 variant alleles, 3 heterozygotes.
Comment: This missense variant replaces threonine with serine at codon 300 of the MEN1 protein. Computational prediction suggests that this variant may not impact protein structure and function (internally defined REVEL score threshold <= 0.5, PMID: 27666373). To our knowledge, functional studies have not been reported for this variant. This variant has not been reported in individuals affected with MEN1-related disorders in the literature. This variant has not been identified in the general population by the Genome Aggregation Database (gnomAD). The available evidence is insufficient to determine the role of this variant in disease conclusively. Therefore, this variant is classified as a Variant of Uncertain Significance.

This study involves interpretation of variants in research participants for the purpose of population health screening. Participant phenotype was not available at the time of variant classification. Additional details can be found in publication PMID: 35346344, PMCID: PMC8962531

Ambry Genetics
Classification: Uncertain significance for Hereditary cancer-predisposing syndrome. Last evaluated: 2019-07-01. Review status: criteria provided, single submitter. Criteria: Ambry Variant Classification Scheme 2023. Collection method: clinical testing. Allele origin: germline.
Comment: The p.T300S variant (also known as c.898A>T), located in coding exon 5 of the MEN1 gene, results from an A to T substitution at nucleotide position 898. The threonine at codon 300 is replaced by serine, an amino acid with similar properties. This amino acid position is well conserved in available vertebrate species. In addition, the in silico prediction for this alteration is inconclusive. Since supporting evidence is limited at this time, the clinical significance of this alteration remains unclear.

NM_001370259.2(MEN1):c.898A>T (p.Thr300Ser)

Gene: MEN1 (menin 1; minus strand). Cytogenetic location: 11q13.1.
Variant type: single nucleotide variant.
Coding change: c.898A>T on transcript NM_001370259.2 (MANE Select); coding-DNA position 898, A replaced by T.
Protein change: p.Thr300Ser; replaces threonine 300 with serine.
Molecular consequence: missense variant.
Genome position (GRCh38, 1-based): chr11:64,807,025, T>A on the plus strand (A>T on the coding strand, the complement: MEN1 is on the minus strand). VCF-style: chr11-64807025-T-A. GRCh37 (hg19) VCF-style: chr11-64574497-T-A.
Other names: c.913A>T, p.Thr305Ser (NM_000244.4, NM_130800.3, NM_130801.3 and 3 more transcripts); c.898A>T, p.Thr300Ser (NM_001370251.2, NM_001370260.2, NM_001370261.2 and 1 more transcripts); c.793A>T, p.Thr265Ser (NM_001370262.2, NM_001370263.2); short protein forms T265S, T300S, T305S.
Identifiers: ClinVar variation 822867 (VCV000822867.15), dbSNP rs1592646309, ClinGen allele CA381183507.